The following is an entry in ClinVar:

NM_001611.5(ACP5):c.191A>G (p.Asp64Gly)

Gene: ACP5 (acid phosphatase 5, tartrate resistant; minus strand). Cytogenetic location: 19p13.2.
Variant type: single nucleotide variant.
Coding change: c.191A>G on transcript NM_001611.5 (MANE Select); coding-DNA position 191, A replaced by G.
Protein change: p.Asp64Gly; replaces aspartic acid 64 with glycine.
Molecular consequence: missense variant.
Genome position (GRCh38, 1-based): chr19:11,577,127, T>C on the plus strand (A>G on the coding strand, the complement: ACP5 is on the minus strand). VCF-style: chr19-11577127-T-C. GRCh37 (hg19) VCF-style: chr19-11687942-T-C.
Other names: c.191A>G, p.Asp64Gly (NM_001111034.3, NM_001111035.3, NM_001111036.3 and 1 more transcripts); short protein forms D64G.
Identifiers: ClinVar variation 1440242 (VCV001440242.6), dbSNP rs765370739, ClinGen allele CA404149016.

ClinVar aggregate classification (germline): Uncertain significance (1 of 4 stars; one submission).

Conditions:
Spondyloenchondrodysplasia with immune dysregulation (SPENCDI). Also called: COMBINED IMMUNODEFICIENCY WITH AUTOIMMUNITY AND SPONDYLOMETAPHYSEAL DYSPLASIA; ROIFMAN IMMUNOSKELETAL SYNDROME; SPONDYLOENCHONDRODYSPLASIA WITH OR WITHOUT IMMUNE DYSREGULATION. Identifiers: Orphanet 1855, MedGen C1842763, MONDO:0011939, OMIM 607944.

Submission:

Labcorp Genetics (formerly Invitae), Labcorp
Classification: Uncertain significance for Spondyloenchondrodysplasia with immune dysregulation. Last evaluated: 2020-12-27. Review status: criteria provided, single submitter. Criteria: Invitae Variant Classification Sherloc (09022015). Collection method: clinical testing. Allele origin: germline.
Comment: In summary, the available evidence is currently insufficient to determine the role of this variant in disease. Therefore, it has been classified as a Variant of Uncertain Significance. Algorithms developed to predict the effect of missense changes on protein structure and function are either unavailable or do not agree on the potential impact of this missense change (SIFT: "Not Available"; PolyPhen-2: "Possibly Damaging"; Align-GVGD: "Not Available"). This variant has not been reported in the literature in individuals with ACP5-related conditions. This variant is not present in population databases (ExAC no frequency). This sequence change replaces aspartic acid with glycine at codon 64 of the ACP5 protein (p.Asp64Gly). The aspartic acid residue is highly conserved and there is a moderate physicochemical difference between aspartic acid and glycine.